The following is an entry in ClinVar:

NM_001378477.3(NYX):c.915C>A (p.Asn305Lys)

Gene: NYX (nyctalopin; plus strand). Cytogenetic location: Xp11.4.
Variant type: single nucleotide variant.
Coding change: c.915C>A on transcript NM_001378477.3 (MANE Select); coding-DNA position 915, C replaced by A.
Protein change: p.Asn305Lys; replaces asparagine 305 with lysine.
Molecular consequence: missense variant.
Genome position (GRCh38, 1-based): chrX:41,474,383, C>A. VCF-style: chrX-41474383-C-A. GRCh37 (hg19) VCF-style: chrX-41333636-C-A.
Other names: c.915C>A, p.Asn305Lys (NM_022567.3); short protein forms N305K.
Identifiers: ClinVar variation 3366312 (VCV003366312.2).

ClinVar aggregate classification (germline): Uncertain significance (1 of 4 stars; one submission).

Conditions:
Congenital stationary night blindness 1C. Also called: Night blindness, congenital stationary (complete), 1C, autosomal recessive. Identifiers: Orphanet 215, MedGen C2750747, MONDO:0013183, OMIM 613216.

Submission:

SN ONGC Dept of Genetics and Molecular biology Vision Research Foundation
Classification: Uncertain significance for Congenital stationary night blindness 1C. Last evaluated: 2024-10-18. Review status: criteria provided, single submitter. Criteria: ACMG Guidelines, 2015. Collection method: research. Allele origin: unknown. Inheritance: X-linked recessive inheritance. Affected: yes. Observed: 1 hemizygote.
Comment: The p.(N310K) variant in NYX has been identified in an Indian study exhibiting an X-Linked recessive inheritance pattern. The p.(Asn310Lys) variant in NYX has been identified in an hemizygous state from an Indian study exhibiting an X-Linked recessive inheritance pattern. The (p.Asn310Lys) variant has not been reported in the 1000 genomes, gnomAD (v3.1.2). There are no supporting functional evidence for the identified variant. In summary, the available evidence is currently insufficient to determine the role of this variant in disease. Therefore, it has been classified as a Variant of Uncertain Significance